The following is an entry in ClinVar:

ClinVar aggregate classification (germline): Uncertain significance (1 of 4 stars; one submission).

Conditions:
Hereditary sensory and autonomic neuropathy type 7. Also called: HSAN VII; Neuropathy, hereditary sensory and autonomic, type VII. Identifiers: Orphanet 391397, MedGen C3809882, MONDO:0014244, OMIM 615548.
Familial episodic pain syndrome with predominantly lower limb involvement. Also called: Episodic pain syndrome, familial, 3. Identifiers: Orphanet 391384, Orphanet 391392, MedGen C3809899, MONDO:0014247, OMIM 615552.

Submission:

Labcorp Genetics (formerly Invitae), Labcorp
Classification: Uncertain significance for Familial episodic pain syndrome with predominantly lower limb involvement; Hereditary sensory and autonomic neuropathy type 7. Last evaluated: 2022-11-07. Review status: criteria provided, single submitter. Criteria: Invitae Variant Classification Sherloc (09022015). Collection method: clinical testing. Allele origin: germline.
Comment: In summary, the available evidence is currently insufficient to determine the role of this variant in disease. Therefore, it has been classified as a Variant of Uncertain Significance. Advanced modeling of protein sequence and biophysical properties (such as structural, functional, and spatial information, amino acid conservation, physicochemical variation, residue mobility, and thermodynamic stability) performed at Invitae indicates that this missense variant is not expected to disrupt SCN11A protein function. This variant has not been reported in the literature in individuals affected with SCN11A-related conditions. This variant is not present in population databases (gnomAD no frequency). This sequence change replaces serine, which is neutral and polar, with alanine, which is neutral and non-polar, at codon 307 of the SCN11A protein (p.Ser307Ala).

NM_001349253.2(SCN11A):c.919T>G (p.Ser307Ala)

Gene: SCN11A (sodium voltage-gated channel alpha subunit 11; minus strand). Cytogenetic location: 3p22.2.
Variant type: single nucleotide variant.
Coding change: c.919T>G on transcript NM_001349253.2 (MANE Select); coding-DNA position 919, T replaced by G.
Protein change: p.Ser307Ala; replaces serine 307 with alanine.
Molecular consequence: missense variant.
Genome position (GRCh38, 1-based): chr3:38,919,975, A>C on the plus strand (T>G on the coding strand, the complement: SCN11A is on the minus strand). VCF-style: chr3-38919975-A-C. GRCh37 (hg19) VCF-style: chr3-38961466-A-C.
Other names: c.919T>G, p.Ser307Ala (NM_014139.3); short protein forms S307A.
Identifiers: ClinVar variation 1976007 (VCV001976007.5), dbSNP rs2470627518, ClinGen allele CA352170783.
Genomic context (GRCh38, chr3:38,919,975, plus strand): 5'-AATGATTATAAACCTCTTACCTGTTACCCATCCAGATGCCACACATTTTGAATTCAGGTG[A>C]ATTTTCTTTCTTTTCAAAGCAATGGTCTGAGAGAGGAAAAAGTCATAAATTCAGATTTTA-3'
Protein context (NP_001336182.1, residues 297-317): YDHCFEKKEN[Ser307Ala]PEFKMCGIWM